The following is an entry in ClinVar:

NM_177559.3(CSNK2A1):c.*5299G>C

Gene: CSNK2A1 (casein kinase 2 alpha 1; minus strand). Cytogenetic location: 20p13.
Variant type: single nucleotide variant.
Coding change: c.*5299G>C on transcript NM_177559.3 (MANE Select); 5299 bases downstream of the stop codon, G replaced by C.
Molecular consequence: 3 prime UTR variant. On other transcripts: intron variant (2).
Genome position (GRCh38, 1-based): chr20:478,662, C>G on the plus strand (G>C on the coding strand, the complement: CSNK2A1 is on the minus strand). VCF-style: chr20-478662-C-G. GRCh37 (hg19) VCF-style: chr20-459306-C-G.
Other names: c.*5299G>C (NM_001895.4, NM_177560.3); c.*34-4712G>C (NM_001362771.2, NM_001362770.2).
Identifiers: ClinVar variation 2498872 (VCV002498872.28), dbSNP rs573587694, ClinGen allele CA9723748.

ClinVar aggregate classification (germline): Likely benign (1 of 4 stars; one submission).

Allele frequency attached by ClinVar (database versions not stated): 1000 Genomes Project 30x 0.00031; 1000 Genomes Project 0.00060; ExAC 0.00099; gnomAD 0.00156; TOPMed 0.00160.
gnomAD v4.1: 759 of 432,328 alleles (0.18%); highest among the groups gnomAD compares: Non-Finnish European, 0.3%; 1 homozygote.

Submission:

CeGaT Center for Human Genetics Tuebingen
Classification: Likely benign. Last evaluated: 2025-11-01. Review status: criteria provided, single submitter. Criteria: CeGaT Center For Human Genetics Tuebingen Variant Classification Criteria Version 2. Collection method: clinical testing. Allele origin: germline. Affected: yes. Observed: 7 variant alleles.
Comment: CSNK2A1: BS1